The following is an entry in ClinVar:

NM_000059.4(BRCA2):c.9625C>A (p.Pro3209Thr)

Gene: BRCA2 (BRCA2 DNA repair associated; plus strand). Cytogenetic location: 13q13.1.
Variant type: single nucleotide variant.
Coding change: c.9625C>A on transcript NM_000059.4 (MANE Select); coding-DNA position 9625, C replaced by A.
Protein change: p.Pro3209Thr; replaces proline 3209 with threonine.
Molecular consequence: missense variant. On other transcripts: non-coding transcript variant (1).
Genome position (GRCh38, 1-based): chr13:32,397,021, C>A. VCF-style: chr13-32397021-C-A. GRCh37 (hg19) VCF-style: chr13-32971158-C-A.
Other names: c.9529C>A, p.Pro3177Thr (NM_001406719.1); c.9574C>A, p.Pro3192Thr (NM_001406720.1); c.4693C>A, p.Pro1565Thr (NM_001406721.1); c.3208C>A, p.Pro1070Thr (NM_001406722.1); short protein forms P1070T, P1565T, P3177T, P3192T, P3209T.
Identifiers: ClinVar variation 2581459 (VCV002581459.4), dbSNP rs730881572, ClinGen allele CA387763722.

ClinVar aggregate classification (germline): Uncertain significance. Review status: criteria provided, multiple submitters, no conflicts (2 of 4 stars). 3 submissions from 3 submitters: Uncertain significance (3). Last evaluated 2026-07-07.

Conditions:
Hereditary cancer-predisposing syndrome. Also called: Hereditary neoplastic syndrome; Hereditary Cancer Syndrome; Neoplastic Syndromes, Hereditary; Tumor predisposition. Identifiers: Orphanet 140162, MedGen C0027672, MeSH D009386, MONDO:0015356.
Hereditary breast ovarian cancer syndrome. Also called: Hereditary breast and ovarian cancer syndrome (HBOC); BRCA1- and BRCA2-Associated Hereditary Breast and Ovarian Cancer; Hereditary breast and ovarian cancer syndrome; Breast and ovarian cancer; Hereditary breast and ovarian cancer; Hereditary breast and/or ovarian cancer syndrome. Identifiers: Orphanet 145, MedGen C0677776, MeSH D061325, MONDO:0003582. Disease mechanism: loss of function.

Submissions (3):

Ambry Genetics
Classification: Uncertain significance for Hereditary cancer-predisposing syndrome. Last evaluated: 2026-07-07. Review status: criteria provided, single submitter. Criteria: Ambry Variant Classification Scheme 2023. Collection method: clinical testing. Allele origin: germline.
Comment: The p.P3209T variant (also known as c.9625C>A), located in coding exon 25 of the BRCA2 gene, results from a C to A substitution at nucleotide position 9625. The proline at codon 3209 is replaced by threonine, an amino acid with highly similar properties. This amino acid position is conserved. In addition, this alteration is predicted to be tolerated by in silico analysis. Based on the available evidence, the clinical significance of this variant remains unclear.

Labcorp Genetics (formerly Invitae), Labcorp
Classification: Uncertain significance for Hereditary breast ovarian cancer syndrome. Last evaluated: 2024-05-02. Review status: criteria provided, single submitter. Criteria: Invitae Variant Classification Sherloc (09022015). Collection method: clinical testing. Allele origin: germline.
Comment: This sequence change replaces proline, which is neutral and non-polar, with threonine, which is neutral and polar, at codon 3209 of the BRCA2 protein (p.Pro3209Thr). This variant is not present in population databases (gnomAD no frequency). This variant has not been reported in the literature in individuals affected with BRCA2-related conditions. ClinVar contains an entry for this variant (Variation ID: 2581459). Advanced modeling of protein sequence and biophysical properties (such as structural, functional, and spatial information, amino acid conservation, physicochemical variation, residue mobility, and thermodynamic stability) performed at Invitae indicates that this missense variant is not expected to disrupt BRCA2 protein function with a negative predictive value of 95%. In summary, the available evidence is currently insufficient to determine the role of this variant in disease. Therefore, it has been classified as a Variant of Uncertain Significance.

Women's Health and Genetics/Laboratory Corporation of America, LabCorp
Classification: Uncertain significance. Last evaluated: 2023-08-31. Review status: criteria provided, single submitter. Criteria: LabCorp Variant Classification Summary - May 2015. Collection method: clinical testing. Allele origin: germline.
Comment: Variant summary: BRCA2 c.9625C>A (p.Pro3209Thr) results in a non-conservative amino acid change in the encoded protein sequence. Four of five in-silico tools predict a benign effect of the variant on protein function. The variant was absent in 251370 control chromosomes (gnomAD). The available data on variant occurrences in the general population are insufficient to allow any conclusion about variant significance. To our knowledge, no occurrence of c.9625C>A in individuals affected with Hereditary Breast And Ovarian Cancer Syndrome and no experimental evidence demonstrating its impact on protein function have been reported. No submitters have cited clinical-significance assessments for this variant to ClinVar after 2014. Based on the evidence outlined above, the variant was classified as uncertain significance.